The following is an entry in ClinVar:

ClinVar aggregate classification (germline): Uncertain significance (1 of 4 stars; one submission).

Conditions:
Hereditary cancer-predisposing syndrome. Also called: Hereditary Cancer Syndrome; Hereditary neoplastic syndrome; Tumor predisposition; Neoplastic Syndromes, Hereditary. Identifiers: Orphanet 140162, MedGen C0027672, MeSH D009386, MONDO:0015356.

Submission:

Ambry Genetics
Classification: Uncertain significance for Hereditary cancer-predisposing syndrome. Last evaluated: 2022-06-18. Review status: criteria provided, single submitter. Criteria: Ambry Variant Classification Scheme 2023. Collection method: clinical testing. Allele origin: germline.
Comment: The p.K367N variant (also known as c.1101G>C), located in coding exon 8 of the POLD1 gene, results from a G to C substitution at nucleotide position 1101. The lysine at codon 367 is replaced by asparagine, an amino acid with similar properties. This amino acid position is conserved. In addition, this alteration is predicted to be tolerated by in silico analysis. Since supporting evidence is limited at this time, the clinical significance of this alteration remains unclear.

NM_002691.4(POLD1):c.1101G>C (p.Lys367Asn)

Gene: POLD1 (DNA polymerase delta 1, catalytic subunit; plus strand). Cytogenetic location: 19q13.33.
Variant type: single nucleotide variant.
Coding change: c.1101G>C on transcript NM_002691.4 (MANE Select); coding-DNA position 1101, G replaced by C.
Protein change: p.Lys367Asn; replaces lysine 367 with asparagine.
Molecular consequence: missense variant. On other transcripts: non-coding transcript variant (1).
Genome position (GRCh38, 1-based): chr19:50,403,183, G>C. VCF-style: chr19-50403183-G-C. GRCh37 (hg19) VCF-style: chr19-50906440-G-C.
Other names: c.1101G>C, p.Lys367Asn (NM_001256849.1, NM_001308632.1); short protein forms K367N.
Identifiers: ClinVar variation 1792578 (VCV001792578.2), dbSNP rs2038729860, ClinGen allele CA406978325.
Genomic context (GRCh38, chr19:50,403,183, plus strand): 5'-GGAGCCCTTCCTACGCCTGGCGCTCACCCTGCGGCCCTGTGCCCCCATCCTGGGTGCCAA[G>C]GTGCAGAGCTACGAGAAGGAGGAGGACCTGCTGCAGGTAGCTCTCGCTCCACGCCCCACA-3'
Protein context (NP_002682.2, residues 357-377): LRPCAPILGA[Lys367Asn]VQSYEKEEDL